The following is an entry in ClinVar:

NM_000350.3(ABCA4):c.1919C>T (p.Pro640Leu)

Gene: ABCA4 (ATP binding cassette subfamily A member 4; minus strand). Cytogenetic location: 1p22.1.
Variant type: single nucleotide variant.
Coding change: c.1919C>T on transcript NM_000350.3 (MANE Select); coding-DNA position 1919, C replaced by T.
Protein change: p.Pro640Leu; replaces proline 640 with leucine.
Molecular consequence: missense variant.
Genome position (GRCh38, 1-based): chr1:94,062,595, G>A on the plus strand (C>T on the coding strand, the complement: ABCA4 is on the minus strand). VCF-style: chr1-94062595-G-A. GRCh37 (hg19) VCF-style: chr1-94528151-G-A.
Other names: c.1919C>T, p.Pro640Leu (NM_001425324.1); short protein forms P640L.
Identifiers: ClinVar variation 377403 (VCV000377403.14), dbSNP rs760790294, ClinGen allele CA16603707.
Genomic context (GRCh38, chr1:94,062,595, plus strand): 5'-CATTAGCGTGTCATGGAGGAGGATCGCGAACTTCAGACTCACGAATCGTCCACGAAGCAG[G>A]GGTAGGGCATCTGCTGGAGGTAGATTCCAACTGGAGCCTCCGCCTGCACCTGGCTCCTTG-3'
Protein context (NP_000341.2, residues 630-650): VGIYLQQMPY[Pro640Leu]CFVDDSFMII

ClinVar aggregate classification (germline): Pathogenic/Likely pathogenic. Review status: criteria provided, multiple submitters, no conflicts (2 of 4 stars). 4 submissions from 4 submitters: Pathogenic (3); Likely pathogenic (1). Last evaluated 2026-05-21.

Conditions:
Stargardt disease (FFM). Also called: Fundus flavimaculatus; Stargardt's disease. Identifiers: Orphanet 827, MedGen C0271093, MONDO:0019353.
ABCA4-related disorder. Also called: ABCA4-related disorders; ABCA4-related condition. Identifiers: MedGen CN239167.

gnomAD v4.1: 1 of 1,614,190 alleles (0.000062%); highest among the groups gnomAD compares: Non-Finnish European, 0.000085%; no homozygotes.

Submissions (4):

Women's Health and Genetics/Laboratory Corporation of America, LabCorp
Classification: Pathogenic for Stargardt disease. Last evaluated: 2026-05-21. Review status: criteria provided, single submitter. Criteria: LabCorp Variant Classification Summary - May 2015. Collection method: clinical testing. Allele origin: germline.
Comment: Variant summary: ABCA4 c.1919C>T (p.Pro640Leu) results in a non-conservative amino acid change in the encoded protein sequence. Algorithms developed to predict the effect of missense changes on protein structure and function all suggest that this variant is likely to be disruptive. The variant was absent in 251156 control chromosomes. c.1919C>T has been observed in individual(s) affected with ABCA4-related disorders, including as a compound heterozygous or unknown genotype (e.g. Fujinami_2019, Schindler_2010, Cornelius_2022, Fenner_2024, Internal data). These data indicate that the variant is likely to be associated with disease. To our knowledge, no experimental evidence demonstrating an impact on protein function has been reported. Internally validated machine learning-based Evidence Modeling of protein sequence and biophysical properties (such as structural, functional, and spatial information, amino acid conservation, physicochemical variation, residue mobility, and thermodynamic stability) indicates that this missense variant is expected to disrupt protein function with a positive predictive value of at least 95%. The following publications have been ascertained in the context of this evaluation (PMID: 35120629, 38309476, 29925512, 20647261). ClinVar contains an entry for this variant (Variation ID: 377403). Based on the evidence outlined above, the variant was classified as pathogenic.

Labcorp Genetics (formerly Invitae), Labcorp
Classification: Pathogenic. Last evaluated: 2025-07-23. Review status: criteria provided, single submitter. Criteria: Invitae Variant Classification Sherloc (09022015). Collection method: clinical testing. Allele origin: germline.
Comment: This sequence change replaces proline, which is neutral and non-polar, with leucine, which is neutral and non-polar, at codon 640 of the ABCA4 protein (p.Pro640Leu). This variant is not present in population databases (gnomAD no frequency). This missense change has been observed in individuals with autosomal recessive inherited retinal dystrophy (PMID: 20647261, 29925512; internal data). ClinVar contains an entry for this variant (Variation ID: 377403). Invitae Evidence Modeling of protein sequence and biophysical properties (such as structural, functional, and spatial information, amino acid conservation, physicochemical variation, residue mobility, and thermodynamic stability) indicates that this missense variant is expected to disrupt ABCA4 protein function with a positive predictive value of 95%. For these reasons, this variant has been classified as Pathogenic.

GeneDx
Classification: Likely pathogenic. Last evaluated: 2021-11-02. Review status: criteria provided, single submitter. Criteria: GeneDx Variant Classification Process June 2021. Collection method: clinical testing. Allele origin: germline. Affected: yes.
Comment: Not observed at significant frequency in large population cohorts (Lek et al., 2016); In silico analysis supports that this missense variant has a deleterious effect on protein structure/function; This variant is associated with the following publications: (PMID: 20647261, 29925512)

Blueprint Genetics
Classification: Pathogenic for ABCA4-related disorders. Last evaluated: 2021-10-11. Review status: criteria provided, single submitter. Criteria: ACMG Guidelines, 2015. Collection method: clinical testing. Allele origin: germline. Affected: yes. Observed: 3 variant alleles.

Literature cited by the submitters: PubMed 29925512 (cited by Women's Health and Genetics/Laboratory Corporation of America, LabCorp and Labcorp Genetics (formerly Invitae), Labcorp); PubMed 20647261 (cited by Women's Health and Genetics/Laboratory Corporation of America, LabCorp and Labcorp Genetics (formerly Invitae), Labcorp); PubMed 35120629 (cited by Women's Health and Genetics/Laboratory Corporation of America, LabCorp); PubMed 38309476 (cited by Women's Health and Genetics/Laboratory Corporation of America, LabCorp).